The following is an entry in ClinVar:

NM_012463.4(ATP6V0A2):c.1698A>G (p.Gly566=)

Gene: ATP6V0A2 (ATPase H+ transporting V0 subunit a2; plus strand). Cytogenetic location: 12q24.31.
Variant type: single nucleotide variant.
Coding change: c.1698A>G on transcript NM_012463.4 (MANE Select); coding-DNA position 1698, A replaced by G.
Protein change: p.Gly566=; no amino-acid change (glycine 566 retained).
Molecular consequence: synonymous variant.
Genome position (GRCh38, 1-based): chr12:123,747,699, A>G. VCF-style: chr12-123747699-A-G. GRCh37 (hg19) VCF-style: chr12-124232246-A-G.
Identifiers: ClinVar variation 307589 (VCV000307589.55), dbSNP rs2271659, ClinGen allele CA6862010.

ClinVar aggregate classification (germline): Benign/Likely benign. Review status: criteria provided, multiple submitters, no conflicts (2 of 4 stars). 4 submissions from 4 submitters: Benign (1); Likely benign (3). Last evaluated 2026-01-28.

Conditions:
ALG9 congenital disorder of glycosylation (CDG1L). Also called: CDG Il; CONGENITAL DISORDER OF GLYCOSYLATION, TYPE Il; ALG9-CDG. Identifiers: Orphanet 79328, MedGen C2931006, MONDO:0012117, OMIM 608776.
Cutis laxa with osteodystrophy (ARCL2A). Also called: Autosomal recessive cutis laxa type 2A; Debré-Type Cutis Laxa; CUTIS LAXA WITH CONGENITAL DISORDER OF GLYCOSYLATION; CUTIS LAXA, AUTOSOMAL RECESSIVE, TYPE IIA; CUTIS LAXA WITH BONE DYSTROPHY; CUTIS LAXA WITH GROWTH AND DEVELOPMENTAL DELAY. Identifiers: Orphanet 357058, MedGen C0268355, MONDO:0018163, OMIM 219200. Disease mechanism: loss of function.

Allele frequency attached by ClinVar (database versions not stated): gnomAD 0.00008 and 0.00014; gnomAD exomes 0.00022 and 0.00057; TOPMed 0.00022; 1000 Genomes Project 0.00060; ExAC 0.00066; 1000 Genomes Project 30x 0.00078.
gnomAD v4.1: 334 of 1,607,536 alleles (0.021%); highest among the groups gnomAD compares: East Asian, 0.72%; 1 homozygote.

Submissions (4):

Labcorp Genetics (formerly Invitae), Labcorp
Classification: Benign for ALG9 congenital disorder of glycosylation. Last evaluated: 2026-01-28. Review status: criteria provided, single submitter. Criteria: Invitae Variant Classification Sherloc (09022015). Collection method: clinical testing. Allele origin: germline.

Blueprint Genetics
Classification: Likely benign. Last evaluated: 2024-03-19. Review status: criteria provided, single submitter. Criteria: ACMG Guidelines, 2015. Collection method: clinical testing. Allele origin: germline.

GeneDx
Classification: Likely benign. Last evaluated: 2020-12-31. Review status: criteria provided, single submitter. Criteria: GeneDx Variant Classification Process June 2021. Collection method: clinical testing. Allele origin: germline. Affected: yes.

Illumina Laboratory Services, Illumina
Classification: Likely benign for Cutis laxa with osteodystrophy. Last evaluated: 2018-01-12. Review status: criteria provided, single submitter. Criteria: ICSL Variant Classification Criteria 13 December 2019. Collection method: clinical testing. Allele origin: germline.
Comment: This variant was observed in the ICSL laboratory as part of a predisposition screen in an ostensibly healthy population. It had not been previously curated by ICSL or reported in the Human Gene Mutation Database (HGMD: prior to June 1st, 2018), and was therefore a candidate for classification through an automated scoring system. Utilizing variant allele frequency, disease prevalence and penetrance estimates, and inheritance mode, an automated score was calculated to assess if this variant is too frequent to cause the disease. Based on the score and internal cut-off values, a variant classified as likely benign is not then subjected to further curation. The score for this variant resulted in a classification of likely benign for this disease.